The following is an entry in ClinVar:

ClinVar aggregate classification (germline): Uncertain significance. Review status: criteria provided, multiple submitters, no conflicts (2 of 4 stars). 2 submissions from 2 submitters: Uncertain significance (2). Last evaluated 2025-03-28.

Conditions:
Inborn genetic diseases. Identifiers: MedGen C0950123, MeSH D030342.
Autosomal recessive early-onset Parkinson disease 6 (PARK6). Also called: PARKINSON DISEASE 6, MODIFIER OF; PARKINSON DISEASE 6, EARLY-ONSET; PINK1-Related Parkinson Disease; PINK1 Type of Young-Onset Parkinson Disease. Identifiers: Orphanet 2828, MedGen C1853833, MONDO:0011613, OMIM 605909.

Allele frequency attached by ClinVar (database versions not stated): gnomAD 0.00001; gnomAD exomes 0.00002 and 0.00003; TOPMed 0.00002; ExAC 0.00003.
gnomAD v4.1: 10 of 1,614,070 alleles (0.00062%); highest among the groups gnomAD compares: Admixed American, 0.017%; no homozygotes.

Submissions (2):

Ambry Genetics
Classification: Uncertain significance for Inborn genetic diseases. Last evaluated: 2025-03-28. Review status: criteria provided, single submitter. Criteria: Ambry Variant Classification Scheme 2023. Collection method: clinical testing. Allele origin: germline.

Labcorp Genetics (formerly Invitae), Labcorp
Classification: Uncertain significance for Autosomal recessive early-onset Parkinson disease 6. Last evaluated: 2022-05-27. Review status: criteria provided, single submitter. Criteria: Invitae Variant Classification Sherloc (09022015). Collection method: clinical testing. Allele origin: germline.
Comment: Algorithms developed to predict the effect of sequence changes on RNA splicing suggest that this variant may create or strengthen a splice site. In summary, the available evidence is currently insufficient to determine the role of this variant in disease. Therefore, it has been classified as a Variant of Uncertain Significance. Algorithms developed to predict the effect of missense changes on protein structure and function output the following: SIFT: "Tolerated"; PolyPhen-2: "Benign"; Align-GVGD: "Class C0". The valine amino acid residue is found in multiple mammalian species, which suggests that this missense change does not adversely affect protein function. This sequence change replaces methionine, which is neutral and non-polar, with valine, which is neutral and non-polar, at codon 527 of the PINK1 protein (p.Met527Val). This variant is present in population databases (rs779798626, gnomAD 0.02%). This variant has not been reported in the literature in individuals affected with PINK1-related conditions.

NM_032409.3(PINK1):c.1579A>G (p.Met527Val)

Genes: PINK1 (PTEN induced kinase 1; plus strand), PINK1-AS (PINK1 antisense RNA; minus strand). Cytogenetic location: 1p36.12.
Variant type: single nucleotide variant.
Coding change: c.1579A>G on transcript NM_032409.3 (MANE Select); coding-DNA position 1579, A replaced by G.
Protein change: p.Met527Val; replaces methionine 527 with valine.
Molecular consequence: missense variant. On other transcripts: non-coding transcript variant (1).
Genome position (GRCh38, 1-based): chr1:20,650,524, A>G. VCF-style: chr1-20650524-A-G. GRCh37 (hg19) VCF-style: chr1-20977017-A-G.
Other names: c.1579A>G (NM_032409.2); short protein forms M527V.
Identifiers: ClinVar variation 1349437 (VCV001349437.9), dbSNP rs779798626, ClinGen allele CA660885.
Genomic context (GRCh38, chr1:20,650,524, plus strand): 5'-CTTCATCTAAGCCTCTGGGGTGAACATATTCTAGCCCTGAAGAATCTGAAGTTAGACAAG[A>G]TGGTTGGCTGGCTCCTCCAACAATCGGCCGCCACTTTGTTGGCCAACAGGCTCACAGAGA-3'
Protein context (NP_115785.1, residues 517-537): LALKNLKLDK[Met527Val]VGWLLQQSAA